The following is an entry in ClinVar:

ClinVar aggregate classification (germline): Likely pathogenic (1 of 4 stars; one submission).

Conditions:
Hemochromatosis type 3 (HFE3). Also called: HEMOCHROMATOSIS DUE TO DEFECT IN TRANSFERRIN RECEPTOR 2; Hereditary hemochromatosis type 3; TFR2-Related Hemochromatosis. Identifiers: Orphanet 225123, MedGen C1858664, MONDO:0011417, OMIM 604250.

Submission:

Natera, Inc.
Classification: Likely pathogenic for Hereditary hemochromatosis type 3. Last evaluated: 2025-12-01. Review status: criteria provided, single submitter. Criteria: Natera Variant Classification Schema (03/2026). Collection method: clinical testing. Allele origin: germline.
Comment: The c.295del variant in TFR2 is a frameshift variant predicted to shift the reading frame beginning at codon 99 and leads to a stop codon 77 codons downstream. This variant is expected to result in nonsense mediated decay, truncation, or a dysfunctional protein product. This variant is rare in the general population with a frequency below the threshold expected for the associated phenotype(s). Given the available evidence, this variant is classified as Likely Pathogenic.

NM_003227.4(TFR2):c.295del (p.Leu99fs)

Gene: TFR2 (transferrin receptor 2; minus strand). Cytogenetic location: 7q22.1.
Variant type: Deletion.
Coding change: c.295del on transcript NM_003227.4 (MANE Select); coding-DNA position 295, one base deleted (C; older notation c.295delC).
Protein change: p.Leu99fs; shifts the reading frame from leucine 99.
Molecular consequence: frameshift variant.
Genome position (GRCh38, 1-based): chr7:100,640,864, G deleted on the plus strand (C on the coding strand, the reverse complement: TFR2 is on the minus strand). VCF-style (leftmost placement, unchanged base first): chr7-100640863-AG-A. GRCh37 (hg19) VCF-style: chr7-100238486-AG-A.
Other names: short protein forms L99fs.
Identifiers: ClinVar variation 4815108 (VCV004815108.1).